The following is an entry in ClinVar:

NM_139321.3(ATRN):c.3565-3C>T

Gene: ATRN (attractin; plus strand). Cytogenetic location: 20p13.
Variant type: single nucleotide variant.
Coding change: c.3565-3C>T on transcript NM_139321.3 (MANE Select); 3 bases into the intron before coding-DNA position 3565, C replaced by T.
Molecular consequence: intron variant.
Genome position (GRCh38, 1-based): chr20:3,600,943, C>T. VCF-style: chr20-3600943-C-T. GRCh37 (hg19) VCF-style: chr20-3581590-C-T.
Other names: c.3565-3C>T (NM_001323332.2, NM_139322.4); c.3217-3C>T (NM_001207047.3).
Identifiers: ClinVar variation 3617529 (VCV003617529.2).

ClinVar aggregate classification (germline): Uncertain significance (1 of 4 stars; one submission).

Submission:

Labcorp Genetics (formerly Invitae), Labcorp
Classification: Uncertain significance. Last evaluated: 2024-08-13. Review status: criteria provided, single submitter. Criteria: Invitae Variant Classification Sherloc (09022015). Collection method: clinical testing. Allele origin: germline.
Comment: This sequence change falls in intron 22 of the ATRN gene. It does not directly change the encoded amino acid sequence of the ATRN protein. It affects a nucleotide within the consensus splice site. This variant is not present in population databases (gnomAD no frequency). This variant has not been reported in the literature in individuals affected with ATRN-related conditions. Variants that disrupt the consensus splice site are a relatively common cause of aberrant splicing (PMID: 17576681, 9536098). Algorithms developed to predict the effect of sequence changes on RNA splicing suggest that this variant is not likely to affect RNA splicing. In summary, the available evidence is currently insufficient to determine the role of this variant in disease. Therefore, it has been classified as a Variant of Uncertain Significance.

Literature cited by the submitters: PubMed 17576681; PubMed 9536098.